The following is an entry in ClinVar:

NM_000260.4(MYO7A):c.284A>T (p.Tyr95Phe)

Gene: MYO7A (myosin VIIA; plus strand). Cytogenetic location: 11q13.5.
Variant type: single nucleotide variant.
Coding change: c.284A>T on transcript NM_000260.4 (MANE Select); coding-DNA position 284, A replaced by T.
Protein change: p.Tyr95Phe; replaces tyrosine 95 with phenylalanine.
Molecular consequence: missense variant.
Genome position (GRCh38, 1-based): chr11:77,147,949, A>T. VCF-style: chr11-77147949-A-T. GRCh37 (hg19) VCF-style: chr11-76858995-A-T.
Other names: c.284A>T, p.Tyr95Phe (NM_001127180.2); c.251A>T, p.Tyr84Phe (NM_001369365.1); short protein forms Y95F, Y84F.
Identifiers: ClinVar variation 164654 (VCV000164654.5), dbSNP rs797044489, ClinGen allele CA177364.

ClinVar aggregate classification (germline): Conflicting classifications of pathogenicity. Review status: criteria provided, conflicting classifications (1 of 4 stars). 2 submissions from 2 submitters: Likely pathogenic (1); Uncertain significance (1). Last evaluated 2026-07-01.

Conditions:
Rare genetic deafness. Identifiers: Orphanet 96210, MedGen C5680250.
Autosomal recessive nonsyndromic hearing loss 2. Also called: NEUROSENSORY NONSYNDROMIC RECESSIVE DEAFNESS 2; DEAFNESS, AUTOSOMAL RECESSIVE 2. Identifiers: Orphanet 90636, MedGen C1838701, MONDO:0010807, OMIM 600060.

Submissions (2):

Institute of Medical Genetics and Applied Genomics, University Hospital Tübingen
Classification: Uncertain significance for Autosomal recessive nonsyndromic hearing loss 2. Last evaluated: 2026-07-01. Review status: criteria provided, single submitter. Criteria: ACMG Guidelines, 2015. Collection method: clinical testing. Allele origin: germline. Inheritance: Autosomal recessive inheritance. Affected: yes.

Laboratory for Molecular Medicine, Mass General Brigham Personalized Medicine
Classification: Likely pathogenic for Rare genetic deafness. Last evaluated: 2017-12-26. Review status: criteria provided, single submitter. Criteria: LMM Criteria. Collection method: clinical testing. Allele origin: germline. Inheritance: Autosomal recessive inheritance. Observed: 2 variant alleles.
Comment: This variant was absent from large population studies. A different amino acid change at the same position, p.Tyr95Cys, was id entified in trans with a nonsense variant in MYO7A in two siblings with Usher sy ndrome (Bujakowska 2014). This variant is located in the last three bases of the exon, which is part of the 5? splice region. Computational tools do not predict altered splicing. However computational prediction tools and conservation anal yses for the amino acid change suggest that this variant may impact the protein, though this information is not predictive enough to determine pathogenicity. I n summary, although additional studies are required to fully establish its clini cal significance and to determine whether it could cause Usher syndrome or atypi cal Usher syndrome, this variant is likely pathogenic for autosomal recessive he aring loss. ACMG/AMP Criteria applied: PM2, PM3, PM5, PP3.